The following is an entry in ClinVar:

ClinVar aggregate classification (germline): Benign. Review status: criteria provided, multiple submitters, no conflicts (2 of 4 stars). 2 submissions from 2 submitters: Benign (2). Last evaluated 2018-06-16.

Allele frequency attached by ClinVar (database versions not stated): gnomAD 0.01773 and 0.01907; TOPMed 0.02017; 1000 Genomes Project 0.02077; 1000 Genomes Project 30x 0.02108.
gnomAD v4.1: 2,671 of 152,190 alleles (1.8%); highest among the groups gnomAD compares: African/African-American, 6%; 84 homozygotes.

Submissions (2):

GeneDx
Classification: Benign. Last evaluated: 2018-06-16. Review status: criteria provided, single submitter. Criteria: GeneDx Variant Classification (06012015). Collection method: clinical testing. Allele origin: germline. Affected: yes.
Comment: This variant is considered likely benign or benign based on one or more of the following criteria: it is a conservative change, it occurs at a poorly conserved position in the protein, it is predicted to be benign by multiple in silico algorithms, and/or has population frequency not consistent with disease.

Breakthrough Genomics
Classification: Benign. Review status: criteria provided, single submitter. Criteria: ACMG Guidelines, 2015. Collection method: not provided. Allele origin: germline. Inheritance: Autosomal recessive inheritance. Affected: yes.

NM_004369.4(COL6A3):c.6628-233C>T

Gene: COL6A3 (collagen type VI alpha 3 chain; minus strand). Cytogenetic location: 2q37.3.
Variant type: single nucleotide variant.
Coding change: c.6628-233C>T on transcript NM_004369.4 (MANE Select); 233 bases into the intron before coding-DNA position 6628, C replaced by T.
Molecular consequence: intron variant.
Genome position (GRCh38, 1-based): chr2:237,353,636, G>A on the plus strand (C>T on the coding strand, the complement: COL6A3 is on the minus strand). VCF-style: chr2-237353636-G-A. GRCh37 (hg19) VCF-style: chr2-238262279-G-A.
Other names: c.4807-233C>T (NM_057166.5); c.6010-233C>T (NM_057167.4).
Identifiers: ClinVar variation 679236 (VCV000679236.2), dbSNP rs148306516, ClinGen allele CA67848602.